The following is an entry in ClinVar:

NM_013247.5(HTRA2):c.1346C>T (p.Thr449Ile)

Genes: HTRA2 (HtrA serine peptidase 2; plus strand), LOXL3 (lysyl oxidase like 3; minus strand). Cytogenetic location: 2p13.1.
Variant type: single nucleotide variant.
Coding change: c.1346C>T on transcript NM_013247.5 (MANE Select); coding-DNA position 1346, C replaced by T.
Protein change: p.Thr449Ile; replaces threonine 449 with isoleucine.
Molecular consequence: missense variant. On other transcripts: non-coding transcript variant (4), 3 prime UTR variant (3).
Genome position (GRCh38, 1-based): chr2:74,532,954, C>T. VCF-style: chr2-74532954-C-T. GRCh37 (hg19) VCF-style: chr2-74760081-C-T.
Other names: c.1280C>T, p.Thr427Ile (NM_001321727.1); c.1250C>T, p.Thr417Ile (NM_001321728.1); c.1055C>T, p.Thr352Ile (NM_145074.2); c.*652G>A (NM_001289164.3, NM_001289165.2, NM_032603.5); short protein forms T449I, T427I, T352I, T417I.
Identifiers: ClinVar variation 337138 (VCV000337138.12), dbSNP rs886056346, ClinGen allele CA10616241.
Genomic context (GRCh38, chr2:74,532,954, plus strand): 5'-AAGCTGTTCGAACCCAATCCCAGTTGGCAGTGCAGATCCGGCGGGGACGAGAAACACTGA[C>T]CTTATATGTGACCCCTGAGGTCACAGAATGAATAGATCACCAAGAGTATGAGGCTCCTGC-3'
Protein context (NP_037379.1, residues 439-458): VQIRRGRETL[Thr449Ile]LYVTPEVTE

ClinVar aggregate classification (germline): Uncertain significance. Review status: criteria provided, multiple submitters, no conflicts (2 of 4 stars). 2 submissions from 2 submitters: Uncertain significance (2). Last evaluated 2020-11-04.

Conditions:
Parkinson disease 13, autosomal dominant, susceptibility to. Identifiers: Orphanet 2828, MedGen C1853202, MONDO:0012466, OMIM 610297.

Allele frequency attached by ClinVar (database versions not stated): gnomAD exomes below 0.00001.
gnomAD v4.1: 15 of 1,613,594 alleles (0.00093%); highest among the groups gnomAD compares: Non-Finnish European, 0.0013%; no homozygotes.

Submissions (2):

Labcorp Genetics (formerly Invitae), Labcorp
Classification: Uncertain significance. Last evaluated: 2020-11-04. Review status: criteria provided, single submitter. Criteria: Invitae Variant Classification Sherloc (09022015). Collection method: clinical testing. Allele origin: germline.
Comment: In summary, the available evidence is currently insufficient to determine the role of this variant in disease. Therefore, it has been classified as a Variant of Uncertain Significance. Algorithms developed to predict the effect of missense changes on protein structure and function (SIFT, PolyPhen-2, Align-GVGD) all suggest that this variant is likely to be tolerated, but these predictions have not been confirmed by published functional studies and their clinical significance is uncertain. This variant has not been reported in the literature in individuals with HTRA2-related conditions. ClinVar contains an entry for this variant (Variation ID: 337138). This variant is not present in population databases (ExAC no frequency). This sequence change replaces threonine with isoleucine at codon 449 of the HTRA2 protein (p.Thr449Ile). The threonine residue is moderately conserved and there is a moderate physicochemical difference between threonine and isoleucine.

Illumina Laboratory Services, Illumina
Classification: Uncertain significance for Parkinson disease 13, autosomal dominant, susceptibility to. Last evaluated: 2018-01-12. Review status: criteria provided, single submitter. Criteria: ICSL Variant Classification Criteria 13 December 2019. Collection method: clinical testing. Allele origin: germline.